The following is an entry in ClinVar:

ClinVar aggregate classification (germline): Likely benign (1 of 4 stars; one submission).

gnomAD v4.1: 2 of 1,613,858 alleles (0.00012%); highest among the groups gnomAD compares: East Asian, 0.0045%; no homozygotes.

Submission:

CeGaT Center for Human Genetics Tuebingen
Classification: Likely benign. Last evaluated: 2025-05-01. Review status: criteria provided, single submitter. Criteria: CeGaT Center For Human Genetics Tuebingen Variant Classification Criteria Version 2. Collection method: clinical testing. Allele origin: germline. Affected: yes. Observed: 1 variant allele.
Comment: ROBO1: BP4, BP7

NM_002941.4(ROBO1):c.3957C>T (p.Val1319=)

Gene: ROBO1 (roundabout guidance receptor 1; minus strand). Cytogenetic location: 3p12.3.
Variant type: single nucleotide variant.
Coding change: c.3957C>T on transcript NM_002941.4 (MANE Select); coding-DNA position 3957, C replaced by T.
Protein change: p.Val1319=; no amino-acid change (valine 1319 retained).
Molecular consequence: synonymous variant.
Genome position (GRCh38, 1-based): chr3:78,617,960, G>A on the plus strand (C>T on the coding strand, the complement: ROBO1 is on the minus strand). VCF-style: chr3-78617960-G-A. GRCh37 (hg19) VCF-style: chr3-78667110-G-A.
Other names: c.3657C>T, p.Val1219= (NM_001145845.2); c.3822C>T, p.Val1274= (NM_133631.4).
Identifiers: ClinVar variation 3905512 (VCV003905512.10).